The following is an entry in ClinVar:

NM_001042492.3(NF1):c.3198-5_3198-4del

Gene: NF1 (neurofibromin 1; plus strand). Cytogenetic location: 17q11.2.
Variant type: Deletion.
Coding change: c.3198-5_3198-4del on transcript NM_001042492.3 (MANE Select); 5 bases into the intron before coding-DNA position 3198 through 4 bases into the intron before coding-DNA position 3198, 2 bases deleted (TT; older notation c.3198-5_3198-4delTT).
Molecular consequence: intron variant.
Genome position (GRCh38, 1-based): chr17:31,232,068-31,232,069, TT deleted; deleting any 2 consecutive bases within chr17:31,232,044-31,232,069 gives the same sequence; the c. name uses the placement nearest the transcript's 3' end. VCF-style (leftmost placement, unchanged base first): chr17-31232043-ATT-A. GRCh37 (hg19) VCF-style: chr17-29559061-ATT-A.
Other names: c.3198-5_3198-4delTT (NM_000267.3, NM_001042492.2); c.3198-5_3198-4del (NM_000267.4).
Identifiers: ClinVar variation 220515 (VCV000220515.15), dbSNP rs371047262, ClinGen allele CA348663.
Genomic context (GRCh38, chr17:31,232,043, plus strand): 5'-TGTTAGTAAGAGGTTTATTTGAGGGGAAGTGAAAGAACTTGAAAGATTCATGGTCTCTAA[ATT>A]TTTTTTTTTTTTTTTTTTTTTTTTCAGAGATTTGGACCAGGCAAGCATGGAAGCAGTAGT-3'

ClinVar aggregate classification (germline): Benign/Likely benign. Review status: criteria provided, multiple submitters, no conflicts (2 of 4 stars). 5 submissions from 5 submitters: Benign (3); Likely benign (1). 1 of the submissions does not count toward it. Last evaluated 2022-03-15.

Conditions:
NF1-related disorder. Also called: NF1-related condition. Identifiers: MedGen CN379171.
Neurofibromatosis, type 1 (NF1). Also called: Peripheral type neurofibromatosis; NEUROFIBROMATOSIS, TYPE I, SOMATIC; Neurofibromatosis, type I; VON RECKLINGHAUSEN DISEASE. Identifiers: Orphanet 636, MedGen C0027831, MONDO:0018975, OMIM 162200. Disease mechanism: loss of function.

Submissions (5):

Genome-Nilou Lab
Classification: Benign for Neurofibromatosis, type 1. Last evaluated: 2022-03-15. Review status: criteria provided, single submitter. Criteria: ACMG Guidelines, 2015. Collection method: clinical testing. Allele origin: germline. Affected: no.

Genome Diagnostics Laboratory, The Hospital for Sick Children
Classification: Benign for Neurofibromatosis, type 1. Last evaluated: 2020-10-26. Review status: criteria provided, single submitter. Criteria: ACMG Guidelines, 2015. Collection method: clinical testing. Allele origin: germline. Affected: yes.

GeneDx
Classification: Likely benign. Last evaluated: 2019-08-30. Review status: criteria provided, single submitter. Criteria: GeneDx Variant Classification Process June 2021. Collection method: clinical testing. Allele origin: germline. Affected: yes.

Labcorp Genetics (formerly Invitae), Labcorp
Classification: Benign for Neurofibromatosis, type 1. Last evaluated: 2015-10-30. Review status: criteria provided, single submitter. Criteria: Invitae Variant Classification Sherloc (09022015). Collection method: clinical testing. Allele origin: germline.

PreventionGenetics, part of Exact Sciences
Classification: Benign for NF1-related condition. Last evaluated: 2020-03-23. Review status: no assertion criteria provided. Collection method: clinical testing. Allele origin: germline. Not counted in ClinVar's aggregate classification.
Comment: This variant is classified as benign based on ACMG/AMP sequence variant interpretation guidelines (Richards et al. 2015 PMID: 25741868, with internal and published modifications).